The following is an entry in ClinVar:

ClinVar aggregate classification (germline): Likely benign. Review status: criteria provided, multiple submitters, no conflicts (2 of 4 stars). 2 submissions from 2 submitters: Likely benign (2). Last evaluated 2025-10-20.

Allele frequency attached by ClinVar (database versions not stated): ExAC 0.00001; gnomAD exomes 0.00001; TOPMed 0.00002; gnomAD 0.00003.
gnomAD v4.1: 19 of 1,613,580 alleles (0.0012%); highest among the groups gnomAD compares: Middle Eastern, 0.017%; no homozygotes.

Submissions (2):

Labcorp Genetics (formerly Invitae), Labcorp
Classification: Likely benign. Last evaluated: 2025-10-20. Review status: criteria provided, single submitter. Criteria: Invitae Variant Classification Sherloc (09022015). Collection method: clinical testing. Allele origin: germline.

CeGaT Center for Human Genetics Tuebingen
Classification: Likely benign. Last evaluated: 2023-11-01. Review status: criteria provided, single submitter. Criteria: CeGaT Center For Human Genetics Tuebingen Variant Classification Criteria Version 2. Collection method: clinical testing. Allele origin: germline. Affected: yes. Observed: 2 variant alleles.
Comment: KMT2A: BP4, BP7

NM_001197104.2(KMT2A):c.4866C>T (p.Tyr1622=)

Gene: KMT2A (lysine methyltransferase 2A; plus strand). Cytogenetic location: 11q23.3.
Variant type: single nucleotide variant.
Coding change: c.4866C>T on transcript NM_001197104.2 (MANE Select); coding-DNA position 4866, C replaced by T.
Protein change: p.Tyr1622=; no amino-acid change (tyrosine 1622 retained).
Molecular consequence: synonymous variant.
Genome position (GRCh38, 1-based): chr11:118,491,790, C>T. VCF-style: chr11-118491790-C-T. GRCh37 (hg19) VCF-style: chr11-118362505-C-T.
Other names: c.4956C>T, p.Tyr1652= (NM_001412597.1); c.4857C>T, p.Tyr1619= (NM_005933.4).
Identifiers: ClinVar variation 2642424 (VCV002642424.27), dbSNP rs781948984, ClinGen allele CA6303961.